The following is an entry in ClinVar:

NM_000138.5(FBN1):c.5491T>A (p.Tyr1831Asn)

Gene: FBN1 (fibrillin 1; minus strand). Cytogenetic location: 15q21.1.
Variant type: single nucleotide variant.
Coding change: c.5491T>A on transcript NM_000138.5 (MANE Select); coding-DNA position 5491, T replaced by A.
Protein change: p.Tyr1831Asn; replaces tyrosine 1831 with asparagine.
Molecular consequence: missense variant.
Genome position (GRCh38, 1-based): chr15:48,452,616, A>T on the plus strand (T>A on the coding strand, the complement: FBN1 is on the minus strand). VCF-style: chr15-48452616-A-T. GRCh37 (hg19) VCF-style: chr15-48744813-A-T.
Other names: c.5491T>A, p.Tyr1831Asn (NM_001406716.1); short protein forms Y1831N.
Identifiers: ClinVar variation 4789646 (VCV004789646.1).

ClinVar aggregate classification (germline): Uncertain significance (1 of 4 stars; one submission).

Conditions:
Marfan syndrome (MFS). Also called: FBN1-Related Marfan Syndrome; MARFAN SYNDROME, TYPE I; Marfan syndrome type 1; Marfan's syndrome; Marfan syndrome, classic. Identifiers: Orphanet 284963, Orphanet 558, MedGen C0024796, MONDO:0007947, OMIM 154700.
Familial thoracic aortic aneurysm and aortic dissection (TAAD). Also called: Thoracic aortic aneurysms and dissections. Identifiers: Orphanet 91387, MedGen C4707243, MONDO:0019625.

Submission:

Labcorp Genetics (formerly Invitae), Labcorp
Classification: Uncertain significance for Marfan syndrome; Familial thoracic aortic aneurysm and aortic dissection. Last evaluated: 2025-02-12. Review status: criteria provided, single submitter. Criteria: Invitae Variant Classification Sherloc (09022015). Collection method: clinical testing. Allele origin: germline.
Comment: This sequence change replaces tyrosine, which is neutral and polar, with asparagine, which is neutral and polar, at codon 1831 of the FBN1 protein (p.Tyr1831Asn). This variant is not present in population databases (gnomAD no frequency). This variant has not been reported in the literature in individuals affected with FBN1-related conditions. Invitae Evidence Modeling of protein sequence and biophysical properties (such as structural, functional, and spatial information, amino acid conservation, physicochemical variation, residue mobility, and thermodynamic stability) indicates that this missense variant is expected to disrupt FBN1 protein function with a positive predictive value of 95%. In summary, the available evidence is currently insufficient to determine the role of this variant in disease. Therefore, it has been classified as a Variant of Uncertain Significance.